The following is an entry in ClinVar:

ClinVar aggregate classification (germline): Uncertain significance. Review status: criteria provided, multiple submitters, no conflicts (2 of 4 stars). 2 submissions from 2 submitters: Uncertain significance (2). Last evaluated 2026-01-21.

Conditions:
Inborn genetic diseases. Identifiers: MedGen C0950123, MeSH D030342.
Melnick-Fraser syndrome (BOR). Also called: Branchiootorenal syndrome; Branchio-oto-renal syndrome; Branchiootorenal Syndrome (BORS). Identifiers: Orphanet 107, MedGen C0265234, MONDO:0007029.

gnomAD v4.1: 38 of 1,614,138 alleles (0.0024%); highest among the groups gnomAD compares: South Asian, 0.038%; no homozygotes.

Submissions (2):

Ambry Genetics
Classification: Uncertain significance for Inborn genetic diseases. Last evaluated: 2026-01-21. Review status: criteria provided, single submitter. Criteria: Ambry Variant Classification Scheme 2023. Collection method: clinical testing. Allele origin: germline.

Labcorp Genetics (formerly Invitae), Labcorp
Classification: Uncertain significance for Melnick-Fraser syndrome. Last evaluated: 2025-06-22. Review status: criteria provided, single submitter. Criteria: Invitae Variant Classification Sherloc (09022015). Collection method: clinical testing. Allele origin: germline.
Comment: This sequence change replaces isoleucine, which is neutral and non-polar, with phenylalanine, which is neutral and non-polar, at codon 444 of the EYA1 protein (p.Ile444Phe). This variant is present in population databases (rs533769812, gnomAD 0.06%), and has an allele count higher than expected for a pathogenic variant. This variant has not been reported in the literature in individuals affected with EYA1-related conditions. Invitae Evidence Modeling of protein sequence and biophysical properties (such as structural, functional, and spatial information, amino acid conservation, physicochemical variation, residue mobility, and thermodynamic stability) has been performed for this missense variant. However, the output from this modeling did not meet the statistical confidence thresholds required to predict the impact of this variant on EYA1 protein function. In summary, the available evidence is currently insufficient to determine the role of this variant in disease. Therefore, it has been classified as a Variant of Uncertain Significance.

NM_000503.6(EYA1):c.1330A>T (p.Ile444Phe)

Gene: EYA1 (EYA transcriptional coactivator and phosphatase 1; minus strand). Cytogenetic location: 8q13.3.
Variant type: single nucleotide variant.
Coding change: c.1330A>T on transcript NM_000503.6 (MANE Select); coding-DNA position 1330, A replaced by T.
Protein change: p.Ile444Phe; replaces isoleucine 444 with phenylalanine.
Molecular consequence: missense variant.
Genome position (GRCh38, 1-based): chr8:71,216,722, T>A on the plus strand (A>T on the coding strand, the complement: EYA1 is on the minus strand). VCF-style: chr8-71216722-T-A. GRCh37 (hg19) VCF-style: chr8-72128957-T-A.
Other names: c.1330A>T (NM_000503.4); c.1312A>T, p.Ile438Phe (NM_001288574.2, NM_172059.5); c.964A>T, p.Ile322Phe (NM_001288575.2); c.1417A>T, p.Ile473Phe (NM_001370333.1); c.1330A>T, p.Ile444Phe (NM_001370334.1, NM_001370335.1, NM_172058.4); c.1309A>T, p.Ile437Phe (NM_001370336.1); c.1231A>T, p.Ile411Phe (NM_001411797.1, NM_172060.4); short protein forms I322F, I411F, I437F, I444F, I438F, I473F.
Identifiers: ClinVar variation 4715097 (VCV004715097.2).